The following is an entry in ClinVar:

ClinVar aggregate classification (germline): Pathogenic (1 of 4 stars; one submission).

Conditions:
Hereditary cancer-predisposing syndrome. Also called: Hereditary neoplastic syndrome; Tumor predisposition; Hereditary Cancer Syndrome; Neoplastic Syndromes, Hereditary. Identifiers: Orphanet 140162, MedGen C0027672, MeSH D009386, MONDO:0015356.

Submission:

Ambry Genetics
Classification: Pathogenic for Hereditary cancer-predisposing syndrome. Last evaluated: 2023-06-28. Review status: criteria provided, single submitter. Criteria: Ambry Variant Classification Scheme 2023. Collection method: clinical testing. Allele origin: germline.
Comment: The c.1539_1542delACTT pathogenic mutation, located in coding exon 6 of the BARD1 gene, results from a deletion of 4 nucleotides at nucleotide positions 1539 to 1542, causing a translational frameshift with a predicted alternate stop codon (p.L513Ffs*26). This variant is considered to be rare based on population cohorts in the Genome Aggregation Database (gnomAD). This alteration is expected to result in loss of function by premature protein truncation or nonsense-mediated mRNA decay. As such, this alteration is interpreted as a disease-causing mutation.

NM_000465.4(BARD1):c.1539_1542del (p.Leu513fs)

Gene: BARD1 (BRCA1 associated RING domain 1; minus strand). Cytogenetic location: 2q35.
Variant type: Deletion.
Coding change: c.1539_1542del on transcript NM_000465.4 (MANE Select); coding-DNA positions 1539 to 1542, 4 bases deleted (ACTT; older notation c.1539_1542delACTT).
Protein change: p.Leu513fs; shifts the reading frame from leucine 513.
Molecular consequence: frameshift variant. On other transcripts: non-coding transcript variant (3), intron variant (3).
Genome position (GRCh38, 1-based): chr2:214,767,508-214,767,511, AAGT deleted on the plus strand (ACTT on the coding strand, the reverse complement: BARD1 is on the minus strand); deleting any 4 consecutive bases within chr2:214,767,508-214,767,513 gives the same sequence; the c. name uses the placement nearest the transcript's 3' end. VCF-style (leftmost placement, unchanged base first): chr2-214767507-AAAGT-A. GRCh37 (hg19) VCF-style: chr2-215632231-AAAGT-A.
Other names: c.1482_1485del, p.Leu494fs (NM_001282543.2); c.159-14956_159-14953del (NM_001282548.2); c.216-14956_216-14953del (NM_001282545.2); c.364+24786_364+24789del (NM_001282549.2); short protein forms L513fs, L494fs.
Identifiers: ClinVar variation 2585698 (VCV002585698.2), dbSNP rs2469442655, ClinGen allele CA2582342133.